The following is an entry in ClinVar:

ClinVar aggregate classification (germline): Benign. Review status: criteria provided, multiple submitters, no conflicts (2 of 4 stars). 2 submissions from 2 submitters: Benign (2). Last evaluated 2018-06-14.

Allele frequency attached by ClinVar (database versions not stated): gnomAD 0.23075 and 0.22679; 1000 Genomes Project 30x 0.23954; 1000 Genomes Project 0.24760; gnomAD exomes 0.26233; TOPMed 0.23176.
gnomAD v4.1: 116,011 of 459,974 alleles (25%); highest among the groups gnomAD compares: Middle Eastern, 31%; 15,233 homozygotes.

Submissions (2):

GeneDx
Classification: Benign. Last evaluated: 2018-06-14. Review status: criteria provided, single submitter. Criteria: GeneDx Variant Classification (06012015). Collection method: clinical testing. Allele origin: germline. Affected: yes.
Comment: This variant is considered likely benign or benign based on one or more of the following criteria: it is a conservative change, it occurs at a poorly conserved position in the protein, it is predicted to be benign by multiple in silico algorithms, and/or has population frequency not consistent with disease.

Breakthrough Genomics
Classification: Benign. Review status: criteria provided, single submitter. Criteria: ACMG Guidelines, 2015. Collection method: not provided. Allele origin: germline. Inheritance: Unknown mechanism. Affected: yes.

NM_001008215.2(COA5):c.-300G>A

Genes: UNC50 (unc-50 inner nuclear membrane RNA binding protein; plus strand), COA5 (cytochrome c oxidase assembly factor 5; minus strand). Cytogenetic location: 2q11.2.
Variant type: single nucleotide variant.
Coding change: c.-300G>A on transcript NM_001008215.2; 300 bases upstream of the start codon, G replaced by A.
Molecular consequence: 5 prime UTR variant (on NM_014044.7).
Genome position (GRCh38, 1-based): chr2:98,608,705, C>T on the plus strand (G>A on the coding strand, the complement: COA5 is on the minus strand). VCF-style: chr2-98608705-C-T. GRCh37 (hg19) VCF-style: chr2-99225168-C-T.
Other names: c.-26C>T (NM_001330353.2, NM_014044.7); c.-88C>T (NM_001330354.2).
Identifiers: ClinVar variation 670015 (VCV000670015.4), dbSNP rs1139829, ClinGen allele CA11021194.